The following is an entry in ClinVar:

ClinVar aggregate classification (germline): Uncertain significance (1 of 4 stars; one submission).

Conditions:
Glycine encephalopathy. Also called: Non-ketotic hyperglycinemia; Nonketotic hyperglycinemia. Identifiers: Orphanet 407, MedGen C0751748, MONDO:0011612, HP:0008288.

Allele frequency attached by ClinVar (database versions not stated): ExAC 0.00001; gnomAD 0.00001; TOPMed 0.00002.
gnomAD v4.1: 20 of 1,611,034 alleles (0.0012%); highest among the groups gnomAD compares: Non-Finnish European, 0.0017%; no homozygotes.

Submission:

Labcorp Genetics (formerly Invitae), Labcorp
Classification: Uncertain significance for Glycine encephalopathy. Last evaluated: 2022-06-09. Review status: criteria provided, single submitter. Criteria: Invitae Variant Classification Sherloc (09022015). Collection method: clinical testing. Allele origin: germline.
Comment: This sequence change replaces arginine, which is basic and polar, with serine, which is neutral and polar, at codon 410 of the GLDC protein (p.Arg410Ser). This variant is present in population databases (rs780018765, gnomAD 0.002%). This variant has not been reported in the literature in individuals affected with GLDC-related conditions. Algorithms developed to predict the effect of missense changes on protein structure and function are either unavailable or do not agree on the potential impact of this missense change (SIFT: "Tolerated"; PolyPhen-2: "Probably Damaging"; Align-GVGD: "Class C0"). In summary, the available evidence is currently insufficient to determine the role of this variant in disease. Therefore, it has been classified as a Variant of Uncertain Significance.

NM_000170.3(GLDC):c.1230G>T (p.Arg410Ser)

Gene: GLDC (glycine decarboxylase; minus strand). Cytogenetic location: 9p24.1.
Variant type: single nucleotide variant.
Coding change: c.1230G>T on transcript NM_000170.3 (MANE Select); coding-DNA position 1230, G replaced by T.
Protein change: p.Arg410Ser; replaces arginine 410 with serine.
Molecular consequence: missense variant.
Genome position (GRCh38, 1-based): chr9:6,595,045, C>A on the plus strand (G>T on the coding strand, the complement: GLDC is on the minus strand). VCF-style: chr9-6595045-C-A. GRCh37 (hg19) VCF-style: chr9-6595045-C-A.
Other names: short protein forms R410S.
Identifiers: ClinVar variation 2142582 (VCV002142582.1), dbSNP rs780018765, ClinGen allele CA4980798.